The following is an entry in ClinVar:

ClinVar aggregate classification (germline): Uncertain significance (1 of 4 stars; one submission).

gnomAD v4.1: 15 of 1,613,702 alleles (0.00093%); highest among the groups gnomAD compares: Non-Finnish European, 0.0013%; no homozygotes.

Submission:

Women's Health and Genetics/Laboratory Corporation of America, LabCorp
Classification: Uncertain significance. Last evaluated: 2024-09-11. Review status: criteria provided, single submitter. Criteria: LabCorp Variant Classification Summary - May 2015. Collection method: clinical testing. Allele origin: germline.
Comment: Variant summary: HTRA1 c.1341T>G (p.Asp447Glu) results in a conservative amino acid change located in the PDZ domain (IPR001478) of the encoded protein sequence. Four of five in-silico tools predict a benign effect of the variant on protein function. The variant allele was found at a frequency of 4e-06 in 251490 control chromosomes. The available data on variant occurrences in the general population are insufficient to allow any conclusion about variant significance. To our knowledge, no occurrence of c.1341T>G in individuals affected with HTRA1-Related Cerebral Small Vessel Disease and no experimental evidence demonstrating its impact on protein function have been reported. No submitters have cited clinical-significance assessments for this variant to ClinVar. Based on the evidence outlined above, the variant was classified as uncertain significance.

NM_002775.5(HTRA1):c.1341T>G (p.Asp447Glu)

Gene: HTRA1 (HtrA serine peptidase 1; plus strand). Cytogenetic location: 10q26.13.
Variant type: single nucleotide variant.
Coding change: c.1341T>G on transcript NM_002775.5 (MANE Select); coding-DNA position 1341, T replaced by G.
Protein change: p.Asp447Glu; replaces aspartic acid 447 with glutamic acid.
Molecular consequence: missense variant.
Genome position (GRCh38, 1-based): chr10:122,514,257, T>G. VCF-style: chr10-122514257-T-G. GRCh37 (hg19) VCF-style: chr10-124273773-T-G.
Other names: short protein forms D447E.
Identifiers: ClinVar variation 3374887 (VCV003374887.1).